The following is an entry in ClinVar:

NM_022455.5(NSD1):c.5510-4A>G

Gene: NSD1 (nuclear receptor binding SET domain protein 1; plus strand). Cytogenetic location: 5q35.3.
Variant type: single nucleotide variant.
Coding change: c.5510-4A>G on transcript NM_022455.5 (MANE Select); 4 bases into the intron before coding-DNA position 5510, A replaced by G.
Molecular consequence: intron variant.
Genome position (GRCh38, 1-based): chr5:177,273,668, A>G. VCF-style: chr5-177273668-A-G. GRCh37 (hg19) VCF-style: chr5-176700669-A-G.
Other names: c.5510-4A>G (NM_001409301.1, NM_001409302.1, NM_001409303.1 and 1 more transcripts); c.5090-4A>G (NM_001409304.1); c.4757-4A>G (NM_001409305.1); c.4748-4A>G (NM_001409306.1, NM_001409307.1); c.4637-4A>G (NM_001409308.1, NM_172349.5, NM_001409309.1 and 1 more transcripts).
Identifiers: ClinVar variation 3715280 (VCV003715280.3).
Genomic context (GRCh38, chr5:177,273,668, plus strand): 5'-AAGTGAATAAATAAGTAATTCCACCCAGAGATTTTGAAGTGACTTGTGCTGTCTGTTTTC[A>G]TAGCTCTTCAGGAAGCTGCAGCAAGGTTTGAGGAATTAAAGGCCCAAAAAGAGCTAAGAC-3'

ClinVar aggregate classification (germline): Likely benign. Review status: criteria provided, multiple submitters, no conflicts (2 of 4 stars). 2 submissions from 2 submitters: Likely benign (2). Last evaluated 2025-04-04.

Conditions:
NSD1-related disorder. Also called: NSD1-related condition.

gnomAD v4.1: 8 of 1,605,732 alleles (0.0005%); highest among the groups gnomAD compares: Non-Finnish European, 0.0006%; no homozygotes.

Submissions (2):

PreventionGenetics, part of Exact Sciences
Classification: Likely benign for NSD1-related condition. Last evaluated: 2025-04-04. Review status: criteria provided, single submitter. Criteria: ACMG Guidelines, 2015. Collection method: clinical testing. Allele origin: germline.
Comment: This variant is classified as likely benign based on ACMG/AMP sequence variant interpretation guidelines (Richards et al. 2015 PMID: 25741868, with internal and published modifications).

Labcorp Genetics (formerly Invitae), Labcorp
Classification: Likely benign. Last evaluated: 2023-12-11. Review status: criteria provided, single submitter. Criteria: Invitae Variant Classification Sherloc (09022015). Collection method: clinical testing. Allele origin: germline.